The following is an entry in ClinVar:

NM_003823.4(TNFRSF6B):c.599C>T (p.Pro200Leu)

Genes: RTEL1-TNFRSF6B (RTEL1-TNFRSF6B readthrough (NMD candidate); plus strand), TNFRSF6B (TNF receptor superfamily member 6b; plus strand). Cytogenetic location: 20q13.33.
Variant type: single nucleotide variant.
Coding change: c.599C>T on transcript NM_003823.4 (MANE Select); coding-DNA position 599, C replaced by T.
Protein change: p.Pro200Leu; replaces proline 200 with leucine.
Molecular consequence: missense variant. On other transcripts: non-coding transcript variant (1).
Genome position (GRCh38, 1-based): chr20:63,697,502, C>T. VCF-style: chr20-63697502-C-T. GRCh37 (hg19) VCF-style: chr20-62328855-C-T.
Other names: short protein forms P200L.
Identifiers: ClinVar variation 3682592 (VCV003682592.2).

ClinVar aggregate classification (germline): Uncertain significance (1 of 4 stars; one submission).

Submission:

Labcorp Genetics (formerly Invitae), Labcorp
Classification: Uncertain significance. Last evaluated: 2024-03-16. Review status: criteria provided, single submitter. Criteria: Invitae Variant Classification Sherloc (09022015). Collection method: clinical testing. Allele origin: germline.
Comment: This sequence change replaces proline, which is neutral and non-polar, with leucine, which is neutral and non-polar, at codon 200 of the TNFRSF6B protein (p.Pro200Leu). This variant is not present in population databases (gnomAD no frequency). This variant has not been reported in the literature in individuals affected with TNFRSF6B-related conditions. Algorithms developed to predict the effect of missense changes on protein structure and function output the following: SIFT: "Not Available"; PolyPhen-2: "Benign"; Align-GVGD: "Not Available". The leucine amino acid residue is found in multiple mammalian species, which suggests that this missense change does not adversely affect protein function. In summary, the available evidence is currently insufficient to determine the role of this variant in disease. Therefore, it has been classified as a Variant of Uncertain Significance.